The following is an entry in ClinVar:

ClinVar aggregate classification (germline): Uncertain significance (1 of 4 stars; one submission).

Submission:

Labcorp Genetics (formerly Invitae), Labcorp
Classification: Uncertain significance. Last evaluated: 2022-09-30. Review status: criteria provided, single submitter. Criteria: Invitae Variant Classification Sherloc (09022015). Collection method: clinical testing. Allele origin: germline.
Comment: In summary, the available evidence is currently insufficient to determine the role of this variant in disease. Therefore, it has been classified as a Variant of Uncertain Significance. Advanced modeling of protein sequence and biophysical properties (such as structural, functional, and spatial information, amino acid conservation, physicochemical variation, residue mobility, and thermodynamic stability) performed at Invitae indicates that this missense variant is expected to disrupt ABCA4 protein function. This missense change has been observed in individual(s) with clinical features of retinitis pigmentosa (Invitae). This variant is not present in population databases (gnomAD no frequency). This sequence change replaces arginine, which is basic and polar, with glycine, which is neutral and non-polar, at codon 992 of the ABCA4 protein (p.Arg992Gly).

NM_000350.3(ABCA4):c.2974A>G (p.Arg992Gly)

Gene: ABCA4 (ATP binding cassette subfamily A member 4; minus strand). Cytogenetic location: 1p22.1.
Variant type: single nucleotide variant.
Coding change: c.2974A>G on transcript NM_000350.3 (MANE Select); coding-DNA position 2974, A replaced by G.
Protein change: p.Arg992Gly; replaces arginine 992 with glycine.
Molecular consequence: missense variant.
Genome position (GRCh38, 1-based): chr1:94,044,689, T>C on the plus strand (A>G on the coding strand, the complement: ABCA4 is on the minus strand). VCF-style: chr1-94044689-T-C. GRCh37 (hg19) VCF-style: chr1-94510245-T-C.
Other names: c.2752A>G, p.Arg918Gly (NM_001425324.1); short protein forms R992G, R918G.
Identifiers: ClinVar variation 1720732 (VCV001720732.5), dbSNP rs2523780063, ClinGen allele CA341275177.
Genomic context (GRCh38, chr1:94,044,689, plus strand): 5'-TGTGCTGTGGACACATGCCAAGGCTCTGCCGGACTGCATCCAGGCTGGTTTCAATGTCCC[T>C]TCCCCCAACGAGCACAGTCCCAGAGGTTGGTGGCAACAGACCCGTCAGGATGGACCTGCA-3'
Protein context (NP_000341.2, residues 982-1002): PTSGTVLVGG[Arg992Gly]DIETSLDAVR